The following is an entry in ClinVar:

NM_138927.4(SON):c.2620C>G (p.Gln874Glu)

Gene: SON (SON DNA and RNA binding protein; plus strand). Cytogenetic location: 21q22.11.
Variant type: single nucleotide variant.
Coding change: c.2620C>G on transcript NM_138927.4 (MANE Select); coding-DNA position 2620, C replaced by G.
Protein change: p.Gln874Glu; replaces glutamine 874 with glutamic acid.
Molecular consequence: missense variant. On other transcripts: non-coding transcript variant (1), intron variant (1).
Genome position (GRCh38, 1-based): chr21:33,551,851, C>G. VCF-style: chr21-33551851-C-G. GRCh37 (hg19) VCF-style: chr21-34924157-C-G.
Other names: c.2620C>G, p.Gln874Glu (NM_001291411.2, NM_001412133.1, NM_032195.3 and 2 more transcripts); c.245-5305C>G (NM_001291412.3); short protein forms Q874E.
Identifiers: ClinVar variation 2635183 (VCV002635183.1), dbSNP rs201414490, ClinGen allele CA10009138.

ClinVar aggregate classification (germline): Uncertain significance (1 of 4 stars; one submission).

Conditions:
SON-related disorder. Also called: SON-related condition.

gnomAD v4.1: 3 of 1,613,976 alleles (0.00019%); highest among the groups gnomAD compares: Admixed American, 0.0017%; no homozygotes.

Submission:

PreventionGenetics, part of Exact Sciences
Classification: Uncertain significance for SON-related condition. Last evaluated: 2023-01-02. Review status: criteria provided, single submitter. Criteria: ACMG Guidelines, 2015. Collection method: clinical testing. Allele origin: germline.
Comment: The SON c.2620C>G variant is predicted to result in the amino acid substitution p.Gln874Glu. To our knowledge, this variant has not been reported in the literature. This variant is reported in 0.0029% of alleles in individuals of Latino descent in gnomAD. At this time, the clinical significance of this variant is uncertain due to the absence of conclusive functional and genetic evidence.